The following is an entry in ClinVar:

ClinVar aggregate classification (germline): Uncertain significance (0 of 4 stars; one submission).

Conditions:
NEK1-related disorder. Also called: NEK1-related condition.

gnomAD v4.1: 10 of 1,607,190 alleles (0.00062%); highest among the groups gnomAD compares: Non-Finnish European, 0.00085%; no homozygotes.

Submission:

PreventionGenetics, part of Exact Sciences
Classification: Uncertain significance for NEK1-related condition. Last evaluated: 2023-11-20. Review status: no assertion criteria provided. Collection method: clinical testing. Allele origin: germline.
Comment: The NEK1 c.2104A>C variant is predicted to result in the amino acid substitution p.Thr702Pro. To our knowledge, this variant has not been reported in the literature. This variant is reported in 0.00091% of alleles in individuals of European (Non-Finnish) descent in gnomAD. At this time, the clinical significance of this variant is uncertain due to the absence of conclusive functional and genetic evidence.

NM_001199397.3(NEK1):c.2188A>C (p.Thr730Pro)

Gene: NEK1 (NIMA related kinase 1; minus strand). Cytogenetic location: 4q33.
Variant type: single nucleotide variant.
Coding change: c.2188A>C on transcript NM_001199397.3 (MANE Select); coding-DNA position 2188, A replaced by C.
Protein change: p.Thr730Pro; replaces threonine 730 with proline.
Molecular consequence: missense variant. On other transcripts: non-coding transcript variant (1).
Genome position (GRCh38, 1-based): chr4:169,477,449, T>G on the plus strand (A>C on the coding strand, the complement: NEK1 is on the minus strand). VCF-style: chr4-169477449-T-G. GRCh37 (hg19) VCF-style: chr4-170398600-T-G.
Other names: c.2056A>C, p.Thr686Pro (NM_001199398.3); c.1897A>C, p.Thr633Pro (NM_001199399.3); c.1972A>C, p.Thr658Pro (NM_001199400.3); c.2188A>C, p.Thr730Pro (NM_001374418.1); c.2104A>C, p.Thr702Pro (NM_001374419.1, NM_012224.4); c.2053A>C, p.Thr685Pro (NM_001374420.1); c.1882A>C, p.Thr628Pro (NM_001374421.1); short protein forms T628P, T633P, T658P, T685P, T686P, T702P, T730P.
Identifiers: ClinVar variation 3030272 (VCV003030272.2), dbSNP rs1474823320, ClinGen allele CA358733148.